The following is an entry in ClinVar:

ClinVar aggregate classification (germline): Pathogenic (1 of 4 stars; one submission).

Conditions:
Bethlem myopathy 1A. Also called: MYOPATHY, BENIGN CONGENITAL, WITH CONTRACTURES; Bethlem Muscular Dystrophy; Bethlem myopathy 1. Identifiers: Orphanet 610, MedGen CN029274, MONDO:0024530, OMIM 158810.

Submission:

Labcorp Genetics (formerly Invitae), Labcorp
Classification: Pathogenic for Bethlem myopathy 1A. Last evaluated: 2024-12-10. Review status: criteria provided, single submitter. Criteria: Invitae Variant Classification Sherloc (09022015). Collection method: clinical testing. Allele origin: germline.
Comment: This sequence change creates a premature translational stop signal (p.Ser931Argfs*52) in the COL6A2 gene. While this is not anticipated to result in nonsense mediated decay, it is expected to disrupt the last 89 amino acid(s) of the COL6A2 protein. This variant is present in population databases (rs745716104, gnomAD 0.003%). This variant has not been reported in the literature in individuals affected with COL6A2-related conditions. ClinVar contains an entry for this variant (Variation ID: 838448). This variant disrupts a region of the COL6A2 protein in which other variant(s) (p.Tyr1002*) have been determined to be pathogenic (PMID: 29419890). This suggests that this is a clinically significant region of the protein, and that variants that disrupt it are likely to be disease-causing. For these reasons, this variant has been classified as Pathogenic.

Literature cited by the submitters: PubMed 29419890.

NM_001849.4(COL6A2):c.2793_2821del (p.Ser931fs)

Gene: COL6A2 (collagen type VI alpha 2 chain; plus strand). Cytogenetic location: 21q22.3.
Variant type: Deletion.
Coding change: c.2793_2821del on transcript NM_001849.4 (MANE Select); coding-DNA positions 2793 to 2821, 29 bases deleted (CCCGCGTGGCGGGGCCCGGAGGCACGCAG).
Protein change: p.Ser931fs; shifts the reading frame from serine 931.
Molecular consequence: frameshift variant.
Genome position (GRCh38, 1-based): chr21:46,132,285-46,132,313, CCCGCGTGGCGGGGCCCGGAGGCACGCAG deleted; deleting any 29 consecutive bases within chr21:46,132,280-46,132,313 gives the same sequence; the c. name uses the placement nearest the transcript's 3' end. VCF-style (leftmost placement, unchanged base first): chr21-46132279-GCGCAGCCCGCGTGGCGGGGCCCGGAGGCA-G. GRCh37 (hg19) VCF-style: chr21-47552193-GCGCAGCCCGCGTGGCGGGGCCCGGAGGCA-G.
Other names: short protein forms S931fs.
Identifiers: ClinVar variation 838448 (VCV000838448.9), dbSNP rs745716104, ClinGen allele CA10073024.